The following is an entry in ClinVar:

ClinVar aggregate classification (germline): Uncertain significance (1 of 4 stars; one submission).

Submission:

Medical Genetic Center, Changzhi Maternal and Child Health Care Hospital
Classification: Uncertain significance. Last evaluated: 2025-12-10. Review status: criteria provided, single submitter. Criteria: ACMG/ClinGen CNV Guidelines, 2019. Collection method: clinical testing. Allele origin: unknown.
Comment: 2I (0.15) CYFIP2 (pLI 1.00, LOEUF 0.27)

GRCh38/hg38 5q33.2-33.3(chr5:155137490-157536185)x1

Genes: ADAM19 (ADAM metallopeptidase domain 19; minus strand), CYFIP2 (cytoplasmic FMR1 interacting protein 2; plus strand), FNDC9 (fibronectin type III domain containing 9; minus strand), GARIN3 (golgi associated RAB2 interactor family member 3; minus strand), HAVCR1 (hepatitis A virus cellular receptor 1; minus strand) and 46 more. Cytogenetic location: 5q33.2-33.3.
Variant type: copy number loss.
Change: copy number 1 (one copy instead of two) of chr5:155,137,490-157,536,185 (2.40 Mb, GRCh38 coordinates, 1-based), cytogenetic band 5q33.2-33.3.
Identifiers: ClinVar variation 4796019 (VCV004796019.1).